The following is an entry in ClinVar:

ClinVar aggregate classification (germline): Likely pathogenic (1 of 4 stars; one submission).

Conditions:
Neurofibromatosis, type 1 (NF1). Also called: Neurofibromatosis, type I; VON RECKLINGHAUSEN DISEASE; NEUROFIBROMATOSIS, TYPE I, SOMATIC; Peripheral type neurofibromatosis. Identifiers: Orphanet 636, MedGen C0027831, MONDO:0018975, OMIM 162200. Disease mechanism: loss of function.

Submission:

Labcorp Genetics (formerly Invitae), Labcorp
Classification: Likely pathogenic for Neurofibromatosis, type 1. Last evaluated: 2021-11-18. Review status: criteria provided, single submitter. Criteria: Invitae Variant Classification Sherloc (09022015). Collection method: clinical testing. Allele origin: germline.
Comment: In summary, the currently available evidence indicates that the variant is pathogenic, but additional data are needed to prove that conclusively. Therefore, this variant has been classified as Likely Pathogenic. Algorithms developed to predict the effect of missense changes on protein structure and function are either unavailable or do not agree on the potential impact of this missense change (SIFT: "Not Available"; PolyPhen-2: "Probably Damaging"; Align-GVGD: "Not Available"). A different variant (c.2870A>T, p.Asn957Ile ) giving rise to the same protein effect has been determined to be pathogenic (PMID: 27322474; Invitae). This suggests that this variant is also likely to be causative of disease. Information on the frequency of this variant in the gnomAD database is not available, as this variant may be reported differently in the database. This sequence change replaces asparagine, which is neutral and polar, with isoleucine, which is neutral and non-polar, at codon 957 of the NF1 protein (p.Asn957Ile).

Literature cited by the submitters: PubMed 27322474.

NM_001042492.3(NF1):c.2870_2871delinsTC (p.Asn957Ile)

Gene: NF1 (neurofibromin 1; plus strand). Cytogenetic location: 17q11.2.
Variant type: Indel.
Coding change: c.2870_2871delinsTC on transcript NM_001042492.3 (MANE Select); coding-DNA positions 2870 to 2871, AT replaced by TC.
Protein change: p.Asn957Ile; replaces asparagine 957 with isoleucine.
Molecular consequence: missense variant.
Genome position (GRCh38, 1-based): chr17:31,229,854-31,229,855, AT replaced by TC. VCF-style: chr17-31229854-AT-TC. GRCh37 (hg19) VCF-style: chr17-29556872-AT-TC.
Other names: c.2870_2871delATinsTC, p.Asn957Ile (NM_000267.4); short protein forms N957I.
Identifiers: ClinVar variation 1477267 (VCV001477267.6), dbSNP rs2151430516, ClinGen allele CA2573153323.